The following is an entry in ClinVar:

ClinVar aggregate classification (germline): Uncertain significance (1 of 4 stars; one submission).

Conditions:
Familial hemophagocytic lymphohistiocytosis 5. Also called: STXBP2-Related Familial Hemophagocytic Lymphohistiocytosis (STXBP2-fHLH). Identifiers: Orphanet 540, MedGen C2751293, MONDO:0013135, OMIM 613101.

Submission:

Labcorp Genetics (formerly Invitae), Labcorp
Classification: Uncertain significance for Familial hemophagocytic lymphohistiocytosis 5. Last evaluated: 2022-06-14. Review status: criteria provided, single submitter. Criteria: Invitae Variant Classification Sherloc (09022015). Collection method: clinical testing. Allele origin: germline.
Comment: This sequence change replaces aspartic acid, which is acidic and polar, with glutamic acid, which is acidic and polar, at codon 481 of the STXBP2 protein (p.Asp481Glu). This variant is not present in population databases (gnomAD no frequency). This variant has not been reported in the literature in individuals affected with STXBP2-related conditions. Algorithms developed to predict the effect of missense changes on protein structure and function are either unavailable or do not agree on the potential impact of this missense change (SIFT: "Deleterious"; PolyPhen-2: "Benign"; Align-GVGD: "Class C0"). In summary, the available evidence is currently insufficient to determine the role of this variant in disease. Therefore, it has been classified as a Variant of Uncertain Significance.

NM_006949.4(STXBP2):c.1443T>A (p.Asp481Glu)

Gene: STXBP2 (syntaxin binding protein 2; plus strand). Cytogenetic location: 19p13.2.
Variant type: single nucleotide variant.
Coding change: c.1443T>A on transcript NM_006949.4 (MANE Select); coding-DNA position 1443, T replaced by A.
Protein change: p.Asp481Glu; replaces aspartic acid 481 with glutamic acid.
Molecular consequence: missense variant. On other transcripts: non-coding transcript variant (1).
Genome position (GRCh38, 1-based): chr19:7,646,335, T>A. VCF-style: chr19-7646335-T-A. GRCh37 (hg19) VCF-style: chr19-7711221-T-A.
Other names: c.1434T>A, p.Asp478Glu (NM_001127396.3); c.1476T>A, p.Asp492Glu (NM_001272034.2); c.1347T>A, p.Asp449Glu (NM_001414484.1); short protein forms D449E, D478E, D492E, D481E.
Identifiers: ClinVar variation 2006569 (VCV002006569.4), dbSNP rs10001, ClinGen allele CA403161697.